The following is an entry in ClinVar:

ClinVar aggregate classification (germline): Uncertain significance (1 of 4 stars; one submission).

Conditions:
STING-associated vasculopathy with onset in infancy. Also called: Sting-associated vasculopathy, infantile-onset. Identifiers: Orphanet 425120, MedGen C4014722, MONDO:0014405, OMIM 615934.

gnomAD v4.1: 2 of 1,614,178 alleles (0.00012%); highest among the groups gnomAD compares: Non-Finnish European, 0.00017%; no homozygotes.

Submission:

Labcorp Genetics (formerly Invitae), Labcorp
Classification: Uncertain significance for STING-associated vasculopathy with onset in infancy. Last evaluated: 2021-03-07. Review status: criteria provided, single submitter. Criteria: Invitae Variant Classification Sherloc (09022015). Collection method: clinical testing. Allele origin: germline.
Comment: This variant is not present in population databases (ExAC no frequency). This sequence change replaces leucine with phenylalanine at codon 268 of the TMEM173 protein (p.Leu268Phe). The leucine residue is highly conserved and there is a small physicochemical difference between leucine and phenylalanine. This variant has not been reported in the literature in individuals with TMEM173-related conditions. Algorithms developed to predict the effect of missense changes on protein structure and function are either unavailable or do not agree on the potential impact of this missense change (SIFT: "Deleterious"; PolyPhen-2: "Probably Damaging"; Align-GVGD: "Class C15"). In summary, the available evidence is currently insufficient to determine the role of this variant in disease. Therefore, it has been classified as a Variant of Uncertain Significance.

NM_198282.4(STING1):c.804G>C (p.Leu268Phe)

Gene: STING1 (stimulator of interferon response cGAMP interactor 1; minus strand). Cytogenetic location: 5q31.2.
Variant type: single nucleotide variant.
Coding change: c.804G>C on transcript NM_198282.4 (MANE Select); coding-DNA position 804, G replaced by C.
Protein change: p.Leu268Phe; replaces leucine 268 with phenylalanine.
Molecular consequence: missense variant. On other transcripts: intron variant (1).
Genome position (GRCh38, 1-based): chr5:139,477,471, C>G on the plus strand (G>C on the coding strand, the complement: STING1 is on the minus strand). VCF-style: chr5-139477471-C-G. GRCh37 (hg19) VCF-style: chr5-138857056-C-G.
Other names: c.447G>C, p.Leu149Phe (NM_001367258.1); c.759+799G>C (NM_001301738.2); short protein forms L149F, L268F.
Identifiers: ClinVar variation 1680241 (VCV001680241.8), dbSNP rs2152093364, ClinGen allele CA361479714.